The following is an entry in ClinVar:

NM_000238.4(KCNH2):c.421C>T (p.Pro141Ser)

Gene: KCNH2 (potassium voltage-gated channel subfamily H member 2; minus strand). Cytogenetic location: 7q36.1.
Variant type: single nucleotide variant.
Coding change: c.421C>T on transcript NM_000238.4 (MANE Select); coding-DNA position 421, C replaced by T.
Protein change: p.Pro141Ser; replaces proline 141 with serine.
Molecular consequence: missense variant.
Genome position (GRCh38, 1-based): chr7:150,959,623, G>A on the plus strand (C>T on the coding strand, the complement: KCNH2 is on the minus strand). VCF-style: chr7-150959623-G-A. GRCh37 (hg19) VCF-style: chr7-150656711-G-A.
Other names: c.133C>T, p.Pro45Ser (NM_001406753.1, NM_001406756.1); c.244C>T, p.Pro82Ser (NM_001406755.1); c.121C>T, p.Pro41Ser (NM_001406757.1); c.421C>T, p.Pro141Ser (NM_172056.3); short protein forms P141S, P82S, P41S, P45S.
Identifiers: ClinVar variation 1045443 (VCV001045443.9), dbSNP rs1563172835, ClinGen allele CA369863689.

ClinVar aggregate classification (germline): Uncertain significance (1 of 4 stars; one submission).

Conditions:
Long QT syndrome (LQTS). Identifiers: MedGen C0023976, MeSH D008133, MONDO:0002442. Disease mechanism: loss of function. Inheritance: Various modes of inheritance.

Allele frequency attached by ClinVar (database versions not stated): gnomAD exomes below 0.00001; TOPMed below 0.00001; gnomAD 0.00001.

Submission:

Labcorp Genetics (formerly Invitae), Labcorp
Classification: Uncertain significance for Long QT syndrome. Last evaluated: 2022-11-27. Review status: criteria provided, single submitter. Criteria: Invitae Variant Classification Sherloc (09022015). Collection method: clinical testing. Allele origin: germline.
Comment: This sequence change replaces proline, which is neutral and non-polar, with serine, which is neutral and polar, at codon 141 of the KCNH2 protein (p.Pro141Ser). In summary, the available evidence is currently insufficient to determine the role of this variant in disease. Therefore, it has been classified as a Variant of Uncertain Significance. Algorithms developed to predict the effect of missense changes on protein structure and function (SIFT, PolyPhen-2, Align-GVGD) all suggest that this variant is likely to be tolerated. ClinVar contains an entry for this variant (Variation ID: 1045443). This variant has not been reported in the literature in individuals affected with KCNH2-related conditions. This variant is not present in population databases (gnomAD no frequency).